The following is an entry in ClinVar:

ClinVar aggregate classification (germline): Likely benign (0 of 4 stars; one submission).

Conditions:
TBX3-related disorder. Also called: TBX3-related condition.

Submission:

PreventionGenetics, part of Exact Sciences
Classification: Likely benign for TBX3-related condition. Last evaluated: 2024-06-28. Review status: no assertion criteria provided. Collection method: clinical testing. Allele origin: germline.
Comment: This variant is classified as likely benign based on ACMG/AMP sequence variant interpretation guidelines (Richards et al. 2015 PMID: 25741868, with internal and published modifications).

NM_005996.4(TBX3):c.658-298C>T

Gene: TBX3 (T-box transcription factor 3; minus strand). Cytogenetic location: 12q24.21.
Variant type: single nucleotide variant.
Coding change: c.658-298C>T on transcript NM_005996.4 (MANE Select); 298 bases into the intron before coding-DNA position 658, C replaced by T.
Molecular consequence: intron variant. On other transcripts: synonymous variant (1).
Genome position (GRCh38, 1-based): chr12:114,679,949, G>A on the plus strand (C>T on the coding strand, the complement: TBX3 is on the minus strand). VCF-style: chr12-114679949-G-A. GRCh37 (hg19) VCF-style: chr12-115117754-G-A.
Other names: c.681C>T, p.His227= (NM_016569.4).
Identifiers: ClinVar variation 3351461 (VCV003351461.1).